The following is an entry in ClinVar:

NM_000376.3(VDR):c.49G>C (p.Asp17His)

Gene: VDR (vitamin D receptor; minus strand). Cytogenetic location: 12q13.11.
Variant type: single nucleotide variant.
Coding change: c.49G>C on transcript NM_000376.3 (MANE Select); coding-DNA position 49, G replaced by C.
Protein change: p.Asp17His; replaces aspartic acid 17 with histidine.
Molecular consequence: missense variant.
Genome position (GRCh38, 1-based): chr12:47,879,065, C>G on the plus strand (G>C on the coding strand, the complement: VDR is on the minus strand). VCF-style: chr12-47879065-C-G. GRCh37 (hg19) VCF-style: chr12-48272848-C-G.
Other names: c.49G>C, p.Asp17His (NM_001017535.2, NM_001364085.2, NM_001374661.1 and 1 more transcripts); c.199G>C, p.Asp67His (NM_001017536.2); short protein forms D17H, D67H.
Identifiers: ClinVar variation 4812878 (VCV004812878.1).

ClinVar aggregate classification (germline): Uncertain significance (1 of 4 stars; one submission).

Conditions:
Hypophosphataemia or rickets.

gnomAD v4.1: 3 of 1,614,154 alleles (0.00019%); highest among the groups gnomAD compares: Non-Finnish European, 0.00025%; no homozygotes.

Submission:

Cambridge Genomics Laboratory, East Genomic Laboratory Hub, NHS Genomic Medicine Service
Classification: Uncertain significance for Hypophosphataemia or rickets. Last evaluated: 2024-02-26. Review status: criteria provided, single submitter. Criteria: ACGS Best Practice Guidelines for Variant Classification in Rare Disease 2020. Collection method: clinical testing. Allele origin: germline. Affected: yes.
Comment: The p.Asp17His variant is novel (not in any individuals) in gnomAD All. The p.Asp17His variant is novel (not in any individuals) in 1kG All. The p.Asp17His variant is novel (not in any individuals) in gnomAD Genomes v3 All. (PM2 - Moderate) | The p.Asp17His missense variant is predicted to be damaging by both SIFT and PolyPhen2. The aspartic acid residue at codon 17 of VDR is conserved in all mammalian species. The nucleotide c.49 in VDR is predicted conserved by GERP++ and PhyloP across 100 vertebrates. (PP3 - Supporting)